The following is an entry in ClinVar:

ClinVar aggregate classification (germline): Uncertain significance (1 of 4 stars; one submission).

Conditions:
Mitochondrial complex II deficiency, nuclear type 1. Also called: SUCCINATE CoQ REDUCTASE DEFICIENCY. Identifiers: Orphanet 3208, MedGen C5700310, MONDO:0100294, OMIM 252011.
Pheochromocytoma/paraganglioma syndrome 5. Also called: Paragangliomas 5; SDHA-Related Hereditary Paraganglioma-Pheochromocytoma Syndrome. Identifiers: Orphanet 29072, MedGen C3279992, MONDO:0013602, OMIM 614165.

Submission:

Labcorp Genetics (formerly Invitae), Labcorp
Classification: Uncertain significance for Pheochromocytoma/paraganglioma syndrome 5; Mitochondrial complex II deficiency, nuclear type 1. Last evaluated: 2023-01-28. Review status: criteria provided, single submitter. Criteria: Invitae Variant Classification Sherloc (09022015). Collection method: clinical testing. Allele origin: germline.
Comment: In summary, the available evidence is currently insufficient to determine the role of this variant in disease. Therefore, it has been classified as a Variant of Uncertain Significance. This sequence change replaces aspartic acid, which is acidic and polar, with glutamic acid, which is acidic and polar, at codon 38 of the SDHA protein (p.Asp38Glu). This variant is not present in population databases (gnomAD no frequency). This variant has not been reported in the literature in individuals affected with SDHA-related conditions. Advanced modeling of protein sequence and biophysical properties (such as structural, functional, and spatial information, amino acid conservation, physicochemical variation, residue mobility, and thermodynamic stability) performed at Invitae indicates that this missense variant is not expected to disrupt SDHA protein function.

NM_004168.4(SDHA):c.114T>G (p.Asp38Glu)

Gene: SDHA (succinate dehydrogenase complex flavoprotein subunit A; plus strand). Cytogenetic location: 5p15.33.
Variant type: single nucleotide variant.
Coding change: c.114T>G on transcript NM_004168.4 (MANE Select); coding-DNA position 114, T replaced by G.
Protein change: p.Asp38Glu; replaces aspartic acid 38 with glutamic acid.
Molecular consequence: missense variant.
Genome position (GRCh38, 1-based): chr5:223,532, T>G. VCF-style: chr5-223532-T-G. GRCh37 (hg19) VCF-style: chr5-223647-T-G.
Other names: c.114T>G, p.Asp38Glu (NM_001294332.2, NM_001330758.2); short protein forms D38E.
Identifiers: ClinVar variation 2943703 (VCV002943703.3), dbSNP rs1061519, ClinGen allele CA359008185.